The following is an entry in ClinVar:

NM_001077446.4(TSEN34):c.262C>T (p.Arg88Cys)

Gene: TSEN34 (tRNA splicing endonuclease subunit 34; plus strand). Cytogenetic location: 19q13.42.
Variant type: single nucleotide variant.
Coding change: c.262C>T on transcript NM_001077446.4 (MANE Select); coding-DNA position 262, C replaced by T.
Protein change: p.Arg88Cys; replaces arginine 88 with cysteine.
Molecular consequence: missense variant.
Genome position (GRCh38, 1-based): chr19:54,191,739, C>T. VCF-style: chr19-54191739-C-T. GRCh37 (hg19) VCF-style: chr19-54695590-C-T.
Other names: c.262C>T, p.Arg88Cys (NM_001282332.2, NM_001282333.2, NM_001386740.1 and 1 more transcripts); short protein forms R88C.
Identifiers: ClinVar variation 330127 (VCV000330127.7), dbSNP rs758855323, ClinGen allele CA309373540.
Genomic context (GRCh38, chr19:54,191,739, plus strand): 5'-GGGACCATAAGCTTGGAGGTTCCAGCGAAGTGTGCTTCTCAGGCCCTGACATCCTTCAAG[C>T]GCCAGCAAGAGGAGAGCTTCCAGGAGCAGAGCGCCTTGGCAGCTGAGGCCCGGGAGACCC-3'
Protein context (NP_001070914.1, residues 78-98): HHSLALTSFK[Arg88Cys]QQEESFQEQS

ClinVar aggregate classification (germline): Uncertain significance. Review status: criteria provided, multiple submitters, no conflicts (2 of 4 stars). 3 submissions from 3 submitters: Uncertain significance (3). Last evaluated 2024-11-11.

Conditions:
Pontoneocerebellar hypoplasia. Also called: Pontocerebellar hypoplasia; Non-syndromic pontocerebellar hypoplasia. Identifiers: Orphanet 98523, MedGen C1261175, MONDO:0020135.

Allele frequency attached by ClinVar (database versions not stated): ExAC 0.00002; gnomAD 0.00002; gnomAD exomes 0.00002; TOPMed 0.00002.

Submissions (3):

Ambry Genetics
Classification: Uncertain significance. Last evaluated: 2024-11-11. Review status: criteria provided, single submitter. Criteria: Ambry Variant Classification Scheme 2023. Collection method: clinical testing. Allele origin: germline.

Illumina Laboratory Services, Illumina
Classification: Uncertain significance for Pontoneocerebellar hypoplasia. Last evaluated: 2018-01-13. Review status: criteria provided, single submitter. Criteria: ICSL Variant Classification Criteria 13 December 2019. Collection method: clinical testing. Allele origin: germline.

GeneDx
Classification: Uncertain significance. Last evaluated: 2017-01-16. Review status: criteria provided, single submitter. Criteria: GeneDx Variant Classification (06012015). Collection method: clinical testing. Allele origin: germline. Affected: yes.
Comment: A variant of uncertain significance has been identified in the TSEN34 gene. The R88C variant has not been published as a pathogenic variant, nor has it been reported as a benign variant to our knowledge. The R88C variant is not observed at a significant frequency in large population cohorts (Lek et al., 2016; 1000 Genomes Consortium et al., 2015; Exome Variant Server). The R88C variant is a non-conservative amino acid substitution, which is likely to impact secondary protein structure as these residues differ in polarity, charge, size and/or other properties. However, this substitution occurs at a position that is not conserved. In silico analysis is inconsistent in its predictions as to whether or not the variant is damaging to the protein structure/function. Therefore, based on the currently available information, it is unclear whether this variant is a pathogenic variant or a rare benign variant.